The following is an entry in ClinVar:

NM_000214.3(JAG1):c.844T>A (p.Cys282Ser)

Gene: JAG1 (jagged canonical Notch ligand 1; minus strand). Cytogenetic location: 20p12.2.
Variant type: single nucleotide variant.
Coding change: c.844T>A on transcript NM_000214.3 (MANE Select); coding-DNA position 844, T replaced by A.
Protein change: p.Cys282Ser; replaces cysteine 282 with serine.
Molecular consequence: missense variant.
Genome position (GRCh38, 1-based): chr20:10,652,510, A>T on the plus strand (T>A on the coding strand, the complement: JAG1 is on the minus strand). VCF-style: chr20-10652510-A-T. GRCh37 (hg19) VCF-style: chr20-10633158-A-T.
Other names: short protein forms C282S.
Identifiers: ClinVar variation 3573135 (VCV003573135.2).

Conditions:
Arteriohepatic dysplasia. Also called: Alagille Syndrome. Identifiers: Orphanet 52, MedGen C0085280, MeSH D016738, MONDO:0007318.

Submission:

Gilbert/Spinner Lab, Children's Hospital of Philadelphia
No classification provided (evidence only). Condition: Alagille syndrome. Review status: no classification provided. Collection method: research. Allele origin: not applicable. Functional consequence: functionally_abnormal.
ClinVar note: "not provided" was previously submitted as the classification for the variant. However, the classification appeared to be based only on an observation of functional data so it was converted to no classification on 2025-07-30.